The following is an entry in ClinVar:

ClinVar aggregate classification (germline): Benign. Review status: criteria provided, multiple submitters, no conflicts (2 of 4 stars). 6 submissions from 4 submitters: Benign (6). Last evaluated 2021-07-01.

Conditions:
Usher syndrome type 1 (USH1). Also called: RETINITIS PIGMENTOSA AND CONGENITAL DEAFNESS. Identifiers: Orphanet 231169, Orphanet 886, MedGen C1568247, MONDO:0010168, OMIM 276900.
Autosomal recessive nonsyndromic hearing loss 2. Also called: DEAFNESS, AUTOSOMAL RECESSIVE 2; NEUROSENSORY NONSYNDROMIC RECESSIVE DEAFNESS 2. Identifiers: Orphanet 90636, MedGen C1838701, MONDO:0010807, OMIM 600060.
Autosomal dominant nonsyndromic hearing loss 11. Identifiers: Orphanet 90635, MedGen C1832475, MONDO:0011032, OMIM 601317.

Allele frequency attached by ClinVar (database versions not stated): ESP Exome Variant Server 0.08953; gnomAD 0.09483; gnomAD exomes 0.09915; ExAC 0.09996; TOPMed 0.11014; 1000 Genomes Project 0.15615.

Submissions (6):

Genome-Nilou Lab
Classification: Benign for Autosomal dominant nonsyndromic hearing loss 11. Last evaluated: 2021-07-01. Review status: criteria provided, single submitter. Criteria: ACMG Guidelines, 2015. Collection method: clinical testing. Allele origin: germline. Affected: no.

Genome-Nilou Lab
Classification: Benign for Autosomal recessive nonsyndromic hearing loss 2. Last evaluated: 2021-07-01. Review status: criteria provided, single submitter. Criteria: ACMG Guidelines, 2015. Collection method: clinical testing. Allele origin: germline. Affected: no.

Genome-Nilou Lab
Classification: Benign for Usher syndrome type 1. Last evaluated: 2021-07-01. Review status: criteria provided, single submitter. Criteria: ACMG Guidelines, 2015. Collection method: clinical testing. Allele origin: germline. Affected: no.

GeneDx
Classification: Benign. Last evaluated: 2018-06-14. Review status: criteria provided, single submitter. Criteria: GeneDx Variant Classification (06012015). Collection method: clinical testing. Allele origin: germline. Affected: yes.
Comment: This variant is considered likely benign or benign based on one or more of the following criteria: it is a conservative change, it occurs at a poorly conserved position in the protein, it is predicted to be benign by multiple in silico algorithms, and/or has population frequency not consistent with disease.

Breakthrough Genomics
Classification: Benign. Review status: criteria provided, single submitter. Criteria: ACMG Guidelines, 2015. Collection method: not provided. Allele origin: germline. Inheritance: Autosomal recessive inheritance. Affected: yes.

PreventionGenetics, part of Exact Sciences
Classification: Benign. Review status: criteria provided, single submitter. Criteria: ACMG Guidelines, 2015. Collection method: clinical testing. Allele origin: germline.

NM_000260.4(MYO7A):c.1004-35C>G

Gene: MYO7A (myosin VIIA; plus strand). Cytogenetic location: 11q13.5.
Variant type: single nucleotide variant.
Coding change: c.1004-35C>G on transcript NM_000260.4 (MANE Select); 35 bases into the intron before coding-DNA position 1004, C replaced by G.
Molecular consequence: intron variant.
Genome position (GRCh38, 1-based): chr11:77,159,412, C>G. VCF-style: chr11-77159412-C-G. GRCh37 (hg19) VCF-style: chr11-76870458-C-G.
Other names: c.971-35C>G (NM_001369365.1); c.1004-35C>G (NM_001127180.2).
Identifiers: ClinVar variation 255659 (VCV000255659.6), dbSNP rs2071151, ClinGen allele CA6197335.
Genomic context (GRCh38, chr11:77,159,412, plus strand): 5'-GCAGCAGGAGTGGCAGCCTAGTCCTCTTAGGACTGTCCCCTTGCCCCTGTTGCCCACCCT[C>G]CCTCCCCTGATGCTGTGCCCCTTGCTGCCAACAGCACGCACATTTGAAAACCTGGATGCC-3'